The following is an entry in ClinVar:

NM_000552.5(VWF):c.6859C>T (p.Arg2287Trp)

Gene: VWF (von Willebrand factor; minus strand). Cytogenetic location: 12p13.31.
Variant type: single nucleotide variant.
Coding change: c.6859C>T on transcript NM_000552.5 (MANE Select); coding-DNA position 6859, C replaced by T.
Protein change: p.Arg2287Trp; replaces arginine 2287 with tryptophan.
Molecular consequence: missense variant.
Genome position (GRCh38, 1-based): chr12:5,985,605, G>A on the plus strand (C>T on the coding strand, the complement: VWF is on the minus strand). VCF-style: chr12-5985605-G-A. GRCh37 (hg19) VCF-style: chr12-6094771-G-A.
Other names: p.Arg2287Trp; NM_000552.5(VWF):c.6859C>T; c.6859C>T (NM_000552.3); short protein forms R2287W.
Identifiers: ClinVar variation 100450 (VCV000100450.76), dbSNP rs61750625, ClinGen allele CA228760.

ClinVar aggregate classification (germline): Uncertain significance. Review status: reviewed by expert panel (3 of 4 stars). 13 submissions from 13 submitters: Uncertain significance (1). 12 of the submissions do not count toward it. Last evaluated 2024-08-13.

Conditions:
VWF-related disorder. Also called: VWF-related condition; VWF-related disorders.
von Willebrand disease type 1 (VWD1). Also called: VON WILLEBRAND DISEASE, TYPE I; VWD, TYPE 1. Identifiers: Orphanet 166078, Orphanet 903, MedGen C1264039, MONDO:0008668, OMIM 193400. Inheritance: autosomal recessive or autosomal dominant.
von Willebrand disease type 3 (VWD3). Also called: Type 3 Von Willebrand's disease; Type 3 VWD; Von Willebrand disease, severe form; V WD3; VON WILLEBRAND DISEASE, TYPE III. Identifiers: Orphanet 166096, MedGen C1264041, MONDO:0010191, OMIM 277480.
von Willebrand disease type 2 (VWD2). Also called: VON WILLEBRAND DISEASE, TYPE II; VWD, TYPE 2; VON WILLEBRAND DISEASE, TYPE 2A/IIE; VON WILLEBRAND DISEASE, TYPE 2CB. Identifiers: Orphanet 166081, Orphanet 903, MedGen C1264040, MONDO:0013304, OMIM 613554.
Hereditary von Willebrand disease. Identifiers: Orphanet 903, MedGen C5703318, MONDO:0019565. Inheritance: Autosomal recessive or Autosomal dominant.

Allele frequency attached by ClinVar (database versions not stated): gnomAD exomes 0.00059; ESP Exome Variant Server 0.00208; gnomAD 0.00217; 1000 Genomes Project 30x 0.00234; TOPMed 0.00259; 1000 Genomes Project 0.00260.
gnomAD v4.1: 769 of 1,614,122 alleles (0.048%); highest among the groups gnomAD compares: African/African-American, 0.89%; 3 homozygotes.

Submissions 1 to 5 of 13:

ClinGen von Willebrand Disease Variant Curation Expert Panel, ClinGen
Classification: Uncertain significance for Hereditary von Willebrand disease. Last evaluated: 2024-08-13. Review status: reviewed by expert panel. Criteria: ClinGen VWD 2A B M Rules. Collection method: curation. Allele origin: germline.
Comment: NM_000552.5:c.6859C>T is a missense variant in VWF that replaces arginine with tryptophan at position 2287. The Grpmax filtering allele frequency in gnomAD v4.1 is 0.008368 (based on 670/75044 alleles in African / African-American population, with 3 homozygotes). This intermediate allele frequency is lower than the ClinGen VWD VCEP threshold for BS1 (>0.01) but higher than the threshold for PM2_Supporting (<0.0001). At least 2 patients harboring this variant displayed a laboratory phenotype that led to a diagnosis of either VWD Type 2A (PMID: 23340442) or VWD Type 2M (PMID: 16321553), with the former patient exhibiting loss of high-molecular weight VWF multimers and VWF:CB/VWF:Ag ratio <0.7. However, this phenotype was not sufficiently detailed to meet the PP4 code. This variant has been observed once in the homozygous state in gnomAD, and two other healthy controls harboring the variant have been reported with normal lab values (PMID: 22197721). However, BS2 has not been evaluated because this code is not considered applicable to VWD due to incomplete penetrance. A number of published control individuals have been found to harbor this variant, but were associated with a 35-40 IU/dL per allele decrease in VWF:Ag level and a smaller (non-significant) decrease in FVIII:C level (PMID: 23690449). Exogenous expression of the variant in COS-1 cells showed normal multimerization but subnormal levels of protein secreted into the medium (50-70% of wild-type, though evidence of abnormal retention in the cell was absent). This quantitative but not qualitative defect does not meet the requirements for use by the ClinGen VWD VCEP for functional evaluation of VWD Type 2 variants, but may be a match for VWD Type 1. In summary, this variant meets the criteria to be classified as a variant of unknown significance for hereditary von Willebrand disease based on the ACMG/AMP criteria applied, as specified by the ClinGen VWD VCEP: PS3_Supporting. While published data do not make a conclusive case that this variant is disease-causing by itself, they indicate that this variant has functional impact and raise the possibility that it may act as a risk factor.

PreventionGenetics, part of Exact Sciences
Classification: Uncertain significance for VWF-related condition. Last evaluated: 2026-06-09. Review status: criteria provided, single submitter. Criteria: ACMG Guidelines, 2015. Collection method: clinical testing. Allele origin: germline. Not counted in ClinVar's aggregate classification.
Comment: The VWF c.6859C>T variant is predicted to result in the amino acid substitution p.Arg2287Trp. This variant has been reported in individuals with Von Willebrand disease 1 (Goodeve et al 2007. PubMed ID: 16985174; Eikenboom et al. 2009. PubMed ID: 19566550; Flood et al. 2013. PubMed ID: 23340442), and also in healthy controls (Bellissimo et al. 2011. PubMed ID: 22197721. Functional studies of this variant showed decreased secretion of the VWF protein (Eikenboom et al. 2009. PubMed ID: 19566550). Consistent with these findings, association studies showed that this variant was associated with lowered VWF levels in patients of African descent with Von Willebrand disease (Johnsen et al. 2013. PubMed ID: 23690449). In the gnomAD database, this variant has been reported in one homozygous and 215 heterozygous individuals of unknown phenotype. In ClinVar, this variant has been interpreted by the ClinGen von Willebrand Disease Variant Curation Expert Panel as uncertain. At this time, the clinical significance of this variant is uncertain due to the absence of conclusive functional and genetic evidence.

GeneDx
Classification: Uncertain significance. Last evaluated: 2026-01-21. Review status: criteria provided, single submitter. Criteria: GeneDx Variant Classification Process June 2021. Collection method: clinical testing. Allele origin: germline. Affected: yes. Not counted in ClinVar's aggregate classification.
Comment: Identified in multiple individuals with different subtypes of von Willebrand disease, including type 1, type 2M, and type 2A in the published literature, however, many individuals had other variants identified in VWF, and additional clinical or segregation information to support pathogenicity was not provided (PMID: 16321553, 16985174, 23340442); Published functional studies demonstrate a damaging effect with mild reduction in the amount of secreted VWF protein (PMID: 19566550); In silico analysis supports that this missense variant has a deleterious effect on protein structure/function; This variant is associated with the following publications: (PMID: 19506359, 20981092, 24482836, 18344424, 16985174, 22197721, 22995991, 23216583, 23340442, 23690449, 19566550, 33556167, 35552711, 35734101, 16321553, 40123275, 39081726)

Women's Health and Genetics/Laboratory Corporation of America, LabCorp
Classification: Uncertain significance. Last evaluated: 2025-11-11. Review status: criteria provided, single submitter. Criteria: LabCorp Variant Classification Summary - May 2015. Collection method: clinical testing. Allele origin: germline. Not counted in ClinVar's aggregate classification.
Comment: Variant summary: VWF c.6859C>T (p.Arg2287Trp) results in a non-conservative amino acid change located in the VWFC domain (IPR001007) of the encoded protein sequence. Algorithms developed to predict the effect of missense changes on protein structure and function are either unavailable or do not agree on the potential impact of this missense change. The variant allele was found at a frequency of 0.00059 in 251052 control chromosomes in the gnomAD database, including 1 homozygotes. This frequency is not significantly higher than estimated for disease-causing variants in VWF, allowing no conclusion about variant significance. c.6859C>T has been observed in individuals affected with Von Willebrand Disease without clear evidence for causality (Kakela_2006, Goodeve_2007, Flood_2013, Sadler_2021, Dubois_2022). These report(s) do not provide unequivocal conclusions about association of the variant with Von Willebrand Disease. At least one publication reports experimental evidence evaluating an impact on protein function (Eikenboom_2009). The most pronounced variant effect results in a mild reduction (>50-90%) in levels of secreted VWF (Eikenboom_2009). The following publications have been ascertained in the context of this evaluation (PMID: 35734101, 19566550, 23340442, 16985174, 16321553, 33556167). ClinVar contains an entry for this variant (Variation ID: 100450). Based on the evidence outlined above, the variant was classified as uncertain significance.

Quest Diagnostics Nichols Institute San Juan Capistrano
Classification: Uncertain significance. Last evaluated: 2025-08-19. Review status: criteria provided, single submitter. Criteria: Quest Diagnostics criteria. Collection method: clinical testing. Allele origin: unknown. Not counted in ClinVar's aggregate classification.
Comment: The VWF c.6859C>T (p.Arg2287Trp) variant has been reported in the published literature in individuals with Type 1 (PMID: 16985174 (2007), 35734101 (2022)) or Type 2 von Willebrand disease (vWD) (PMID: 23340442 (2013), 33556167 (2021)). This variant has also been found in reportedly unaffected individuals (PMID: 22197721 (2012), 23216583 (2013)). In functional studies, this variant caused mild intracellular retention and impaired secretion of VWF protein (PMID: 19566550 (2009), 31035301 (2019)). The frequency of this variant in the general population (Genome Aggregation Database) is uninformative in the assessment of its pathogenicity. Analysis of this variant using bioinformatics tools for the prediction of the effect of amino acid changes on protein structure and function yielded conflicting predictions that this variant is benign or damaging. Based on the available information, we are unable to determine the clinical significance of this variant.